The following is an entry in ClinVar:

ClinVar aggregate classification (germline): Uncertain significance (1 of 4 stars; one submission).

Conditions:
Charcot-Marie-Tooth disease axonal type 2O. Also called: CHARCOT-MARIE-TOOTH NEUROPATHY, AXONAL, TYPE 2O; CHARCOT-MARIE-TOOTH DISEASE, AXONAL, AUTOSOMAL DOMINANT, TYPE 2O; Charcot-Marie-Tooth Neuropathy Type 2O; Charcot-Marie-Tooth disease, axonal, type 20. Identifiers: Orphanet 284232, MedGen C3280220, MONDO:0013644, OMIM 614228.

Submission:

Labcorp Genetics (formerly Invitae), Labcorp
Classification: Uncertain significance for Charcot-Marie-Tooth disease axonal type 2O. Last evaluated: 2024-05-01. Review status: criteria provided, single submitter. Criteria: Invitae Variant Classification Sherloc (09022015). Collection method: clinical testing. Allele origin: germline.
Comment: This sequence change replaces asparagine, which is neutral and polar, with serine, which is neutral and polar, at codon 4325 of the DYNC1H1 protein (p.Asn4325Ser). This variant is not present in population databases (gnomAD no frequency). This variant has not been reported in the literature in individuals affected with DYNC1H1-related conditions. Advanced modeling of protein sequence and biophysical properties (such as structural, functional, and spatial information, amino acid conservation, physicochemical variation, residue mobility, and thermodynamic stability) performed at Invitae indicates that this missense variant is not expected to disrupt DYNC1H1 protein function with a negative predictive value of 95%. In summary, the available evidence is currently insufficient to determine the role of this variant in disease. Therefore, it has been classified as a Variant of Uncertain Significance.

NM_001376.5(DYNC1H1):c.12974A>G (p.Asn4325Ser)

Gene: DYNC1H1 (dynein cytoplasmic 1 heavy chain 1; plus strand). Cytogenetic location: 14q32.31.
Variant type: single nucleotide variant.
Coding change: c.12974A>G on transcript NM_001376.5 (MANE Select); coding-DNA position 12974, A replaced by G.
Protein change: p.Asn4325Ser; replaces asparagine 4325 with serine.
Molecular consequence: missense variant.
Genome position (GRCh38, 1-based): chr14:102,044,666, A>G. VCF-style: chr14-102044666-A-G. GRCh37 (hg19) VCF-style: chr14-102511003-A-G.
Other names: short protein forms N4325S.
Identifiers: ClinVar variation 3688310 (VCV003688310.2).